The following is an entry in ClinVar:

ClinVar aggregate classification (germline): Likely pathogenic (1 of 4 stars; one submission).

Conditions:
Autosomal recessive polycystic kidney disease (ARPKD). Also called: AR polycystic kidney disease. Identifiers: Orphanet 731, Orphanet 8378, MedGen C0085548, MeSH D017044, MONDO:0009889.

Submission:

Natera, Inc.
Classification: Likely pathogenic for Autosomal recessive polycystic kidney disease. Last evaluated: 2024-08-12. Review status: criteria provided, single submitter. Criteria: Natera Variant Classification Schema (03/2026). Collection method: clinical testing. Allele origin: germline.
Comment: The c.10266G>A variant in PKHD1 is a nonsense variant predicted to introduce a stop codon at amino acid 3422. This variant is expected to result in nonsense mediated decay, truncation, or a dysfunctional protein product. This variant is rare in the general population with a frequency below the threshold expected for the associated phenotype(s). Given the available evidence, this variant is classified as Likely Pathogenic.

NM_138694.4(PKHD1):c.10266G>A (p.Trp3422Ter)

Gene: PKHD1 (PKHD1 ciliary IPT domain containing fibrocystin/polyductin; minus strand). Cytogenetic location: 6p12.3.
Variant type: single nucleotide variant.
Coding change: c.10266G>A on transcript NM_138694.4 (MANE Select); coding-DNA position 10266, G replaced by A.
Protein change: p.Trp3422Ter; replaces tryptophan 3422 with a stop codon.
Molecular consequence: nonsense.
Genome position (GRCh38, 1-based): chr6:51,659,860, C>T on the plus strand (G>A on the coding strand, the complement: PKHD1 is on the minus strand). VCF-style: chr6-51659860-C-T. GRCh37 (hg19) VCF-style: chr6-51524658-C-T.
Other names: short protein forms W3422*.
Identifiers: ClinVar variation 4816537 (VCV004816537.1).